The following is an entry in ClinVar:

ClinVar aggregate classification (germline): Uncertain significance (1 of 4 stars; one submission).

Submission:

GeneDx
Classification: Uncertain significance. Last evaluated: 2025-07-12. Review status: criteria provided, single submitter. Criteria: GeneDx Variant Classification Process June 2021. Collection method: clinical testing. Allele origin: germline. Affected: yes.
Comment: Not observed at significant frequency in large population cohorts (gnomAD); In silico analysis supports that this missense variant has a deleterious effect on protein structure/function; Has not been previously published as pathogenic or benign to our knowledge

NM_007315.4(STAT1):c.791C>T (p.Thr264Ile)

Gene: STAT1 (signal transducer and activator of transcription 1; minus strand). Cytogenetic location: 2q32.2.
Variant type: single nucleotide variant.
Coding change: c.791C>T on transcript NM_007315.4 (MANE Select); coding-DNA position 791, C replaced by T.
Protein change: p.Thr264Ile; replaces threonine 264 with isoleucine.
Molecular consequence: missense variant. On other transcripts: intron variant (1).
Genome position (GRCh38, 1-based): chr2:190,995,214, G>A on the plus strand (C>T on the coding strand, the complement: STAT1 is on the minus strand). VCF-style: chr2-190995214-G-A. GRCh37 (hg19) VCF-style: chr2-191859940-G-A.
Other names: c.785+2642C>T (NM_001384885.1); c.791C>T, p.Thr264Ile (NM_001384880.1, NM_001384882.1, NM_001384886.1 and 5 more transcripts); c.797C>T, p.Thr266Ile (NM_001384881.1, NM_001384884.1); c.692C>T, p.Thr231Ile (NM_001384883.1); c.701C>T, p.Thr234Ile (NM_001384890.1); c.827C>T, p.Thr276Ile (NM_001384891.1); short protein forms T231I, T234I, T264I, T266I, T276I.
Identifiers: ClinVar variation 4685047 (VCV004685047.1).